The following is an entry in ClinVar:

ClinVar aggregate classification (germline): Uncertain significance (1 of 4 stars; one submission).

Allele frequency attached by ClinVar (database versions not stated): TOPMed below 0.00001.
gnomAD v4.1: 2 of 1,330,782 alleles (0.00015%); highest among the groups gnomAD compares: Admixed American, 0.0071%; no homozygotes.

Submission:

Labcorp Genetics (formerly Invitae), Labcorp
Classification: Uncertain significance. Last evaluated: 2022-06-28. Review status: criteria provided, single submitter. Criteria: Invitae Variant Classification Sherloc (09022015). Collection method: clinical testing. Allele origin: germline.
Comment: This sequence change replaces leucine, which is neutral and non-polar, with isoleucine, which is neutral and non-polar, at codon 16 of the NPPC protein (p.Leu16Ile). In summary, the available evidence is currently insufficient to determine the role of this variant in disease. Therefore, it has been classified as a Variant of Uncertain Significance. Experimental studies and prediction algorithms are not available or were not evaluated, and the functional significance of this variant is currently unknown. This variant has not been reported in the literature in individuals affected with NPPC-related conditions. This variant is not present in population databases (gnomAD no frequency).

NM_024409.4(NPPC):c.46C>A (p.Leu16Ile)

Gene: NPPC (natriuretic peptide C; minus strand). Cytogenetic location: 2q37.1.
Variant type: single nucleotide variant.
Coding change: c.46C>A on transcript NM_024409.4 (MANE Select); coding-DNA position 46, C replaced by A.
Protein change: p.Leu16Ile; replaces leucine 16 with isoleucine.
Molecular consequence: missense variant.
Genome position (GRCh38, 1-based): chr2:231,926,204, G>T on the plus strand (C>A on the coding strand, the complement: NPPC is on the minus strand). VCF-style: chr2-231926204-G-T. GRCh37 (hg19) VCF-style: chr2-232790914-G-T.
Other names: short protein forms L16I.
Identifiers: ClinVar variation 1391426 (VCV001391426.6), dbSNP rs1692006553, ClinGen allele CA351150486.